The following is an entry in ClinVar:

ClinVar aggregate classification (germline): Conflicting classifications of pathogenicity. Review status: criteria provided, conflicting classifications (1 of 4 stars). 5 submissions from 5 submitters: Uncertain significance (3); Likely benign (2). Last evaluated 2025-06-29.

Conditions:
Hereditary cancer-predisposing syndrome. Also called: Neoplastic Syndromes, Hereditary; Tumor predisposition; Hereditary Cancer Syndrome; Hereditary neoplastic syndrome. Identifiers: Orphanet 140162, MedGen C0027672, MeSH D009386, MONDO:0015356.
Hereditary breast ovarian cancer syndrome. Also called: Hereditary breast and ovarian cancer; Hereditary breast and ovarian cancer syndrome; Breast and ovarian cancer; Hereditary breast and/or ovarian cancer syndrome; BRCA1- and BRCA2-Associated Hereditary Breast and Ovarian Cancer; Hereditary breast and ovarian cancer syndrome (HBOC). Identifiers: Orphanet 145, MedGen C0677776, MeSH D061325, MONDO:0003582. Disease mechanism: loss of function.

Allele frequency attached by ClinVar (database versions not stated): gnomAD exomes below 0.00001.
gnomAD v4.1: 2 of 1,609,226 alleles (0.00012%); highest among the groups gnomAD compares: Non-Finnish European, 0.00017%; no homozygotes.

Submissions (5):

Labcorp Genetics (formerly Invitae), Labcorp
Classification: Uncertain significance for Hereditary breast ovarian cancer syndrome. Last evaluated: 2025-06-29. Review status: criteria provided, single submitter. Criteria: Invitae Variant Classification Sherloc (09022015). Collection method: clinical testing. Allele origin: germline.
Comment: This sequence change replaces proline, which is neutral and non-polar, with leucine, which is neutral and non-polar, at codon 628 of the BRCA2 protein (p.Pro628Leu). This variant is not present in population databases (gnomAD no frequency). This variant has not been reported in the literature in individuals affected with BRCA2-related conditions. ClinVar contains an entry for this variant (Variation ID: 1781927). Invitae Evidence Modeling of protein sequence and biophysical properties (such as structural, functional, and spatial information, amino acid conservation, physicochemical variation, residue mobility, and thermodynamic stability) indicates that this missense variant is not expected to disrupt BRCA2 protein function with a negative predictive value of 95%. In summary, the available evidence is currently insufficient to determine the role of this variant in disease. Therefore, it has been classified as a Variant of Uncertain Significance.

Center for Genomic Medicine, Rigshospitalet, Copenhagen University Hospital
Classification: Likely benign. Last evaluated: 2025-03-04. Review status: criteria provided, single submitter. Criteria: ACMG Guidelines, 2015. Collection method: clinical testing. Allele origin: germline.

Ambry Genetics
Classification: Uncertain significance for Hereditary cancer-predisposing syndrome. Last evaluated: 2024-11-16. Review status: criteria provided, single submitter. Criteria: Ambry Variant Classification Scheme 2023. Collection method: clinical testing. Allele origin: germline.
Comment: The p.P628L variant (also known as c.1883C>T), located in coding exon 9 of the BRCA2 gene, results from a C to T substitution at nucleotide position 1883. The proline at codon 628 is replaced by leucine, an amino acid with similar properties. This amino acid position is well conserved in available vertebrate species. In addition, this alteration is predicted to be tolerated by in silico analysis. Since supporting evidence is limited at this time, the clinical significance of this alteration remains unclear.

Quest Diagnostics Nichols Institute San Juan Capistrano
Classification: Uncertain significance. Last evaluated: 2024-11-08. Review status: criteria provided, single submitter. Criteria: Quest Diagnostics criteria. Collection method: clinical testing. Allele origin: unknown.
Comment: The BRCA2 c.1883C>T (p.Pro628Leu) variant has been reported in the published literature be located in a region of the BRCA2 gene that is tolerant to missense sequence changes (PMID: 31911673 (2020)). To the best of our knowledge, this variant has not been reported in individuals with BRCA2-related disorders. This variant has not been reported in large, multi-ethnic general populations (Genome Aggregation Database). Analysis of this variant using bioinformatics tools for the prediction of the effect of amino acid changes on protein structure and function yielded predictions that this variant is benign. Based on the available information, we are unable to determine the clinical significance of this variant.

University of Washington Department of Laboratory Medicine, University of Washington
Classification: Likely benign for Hereditary cancer-predisposing syndrome. Last evaluated: 2023-03-23. Review status: criteria provided, single submitter. Criteria: Dines et al. (Genet Med. 2020). Collection method: curation. Allele origin: germline.
Comment: Missense variant in a coldspot region where missense variants are very unlikely to be pathogenic (PMID:31911673).

BRCA2 exon 10 coldspot. Reclassification based on statistical prior probability.

Literature cited by the submitters: PubMed 31911673 (cited by Quest Diagnostics Nichols Institute San Juan Capistrano).

NM_000059.4(BRCA2):c.1883C>T (p.Pro628Leu)

Gene: BRCA2 (BRCA2 DNA repair associated; plus strand). Cytogenetic location: 13q13.1.
Variant type: single nucleotide variant.
Coding change: c.1883C>T on transcript NM_000059.4 (MANE Select); coding-DNA position 1883, C replaced by T.
Protein change: p.Pro628Leu; replaces proline 628 with leucine.
Molecular consequence: missense variant.
Genome position (GRCh38, 1-based): chr13:32,333,361, C>T. VCF-style: chr13-32333361-C-T. GRCh37 (hg19) VCF-style: chr13-32907498-C-T.
Other names: c.1883C>T, p.Pro628Leu (NM_001406719.1, NM_001406720.1, NM_001406721.1); short protein forms P628L.
Identifiers: ClinVar variation 1781927 (VCV001781927.13), dbSNP rs2137475977, ClinGen allele CA387766679.